The following is an entry in ClinVar:

ClinVar aggregate classification (germline): Uncertain significance. Review status: criteria provided, multiple submitters, no conflicts (2 of 4 stars). 3 submissions from 3 submitters: Uncertain significance (3). Last evaluated 2025-10-12.

Conditions:
PRX-related disorder. Also called: PRX-related condition; PRX-Related Disorders.
Inborn genetic diseases. Identifiers: MedGen C0950123, MeSH D030342.
Charcot-Marie-Tooth disease type 4. Also called: Charcot-Marie-Tooth disease, type IV; Charcot-Marie-Tooth, Type 4. Identifiers: Orphanet 64749, MedGen C4082197, MONDO:0018995.

Allele frequency attached by ClinVar (database versions not stated): gnomAD exomes below 0.00001; gnomAD 0.00001; TOPMed 0.00004.
gnomAD v4.1: 7 of 1,613,884 alleles (0.00043%); highest among the groups gnomAD compares: Admixed American, 0.012%; no homozygotes.

Submissions (3):

PreventionGenetics, part of Exact Sciences
Classification: Uncertain significance for PRX-related condition. Last evaluated: 2025-10-12. Review status: criteria provided, single submitter. Criteria: ACMG Guidelines, 2015. Collection method: clinical testing. Allele origin: germline.
Comment: The PRX c.329G>A variant is predicted to result in the amino acid substitution p.Gly110Glu. To our knowledge, this variant has not been reported in the literature. This variant is reported in 0.0029% of alleles in individuals of Latino descent in gnomAD. At this time, the clinical significance of this variant is uncertain due to the absence of conclusive functional and genetic evidence.

Labcorp Genetics (formerly Invitae), Labcorp
Classification: Uncertain significance for Charcot-Marie-Tooth disease type 4. Last evaluated: 2022-06-26. Review status: criteria provided, single submitter. Criteria: Invitae Variant Classification Sherloc (09022015). Collection method: clinical testing. Allele origin: germline.
Comment: This sequence change replaces glycine, which is neutral and non-polar, with glutamic acid, which is acidic and polar, at codon 110 of the PRX protein (p.Gly110Glu). The frequency data for this variant in the population databases is considered unreliable, as metrics indicate poor data quality at this position in the gnomAD database. This variant has not been reported in the literature in individuals affected with PRX-related conditions. Algorithms developed to predict the effect of missense changes on protein structure and function are either unavailable or do not agree on the potential impact of this missense change (SIFT: "Tolerated"; PolyPhen-2: "Probably Damaging"; Align-GVGD: "Class C0"). In summary, the available evidence is currently insufficient to determine the role of this variant in disease. Therefore, it has been classified as a Variant of Uncertain Significance.

Ambry Genetics
Classification: Uncertain significance for Inborn genetic diseases. Last evaluated: 2019-12-10. Review status: criteria provided, single submitter. Criteria: Ambry Variant Classification Scheme 2023. Collection method: clinical testing. Allele origin: germline.
Comment: The p.G110E variant (also known as c.329G>A), located in coding exon 3 of the PRX gene, results from a G to A substitution at nucleotide position 329. The glycine at codon 110 is replaced by glutamic acid, an amino acid with similar properties. This amino acid position is well conserved in available vertebrate species. In addition, the in silico prediction for this alteration is inconclusive. Since supporting evidence is limited at this time, the clinical significance of this alteration remains unclear.

NM_181882.3(PRX):c.329G>A (p.Gly110Glu)

Gene: PRX (periaxin; minus strand). Cytogenetic location: 19q13.2.
Variant type: single nucleotide variant.
Coding change: c.329G>A on transcript NM_181882.3 (MANE Select); coding-DNA position 329, G replaced by A.
Protein change: p.Gly110Glu; replaces glycine 110 with glutamic acid.
Molecular consequence: missense variant.
Genome position (GRCh38, 1-based): chr19:40,398,672, C>T on the plus strand (G>A on the coding strand, the complement: PRX is on the minus strand). VCF-style: chr19-40398672-C-T. GRCh37 (hg19) VCF-style: chr19-40904579-C-T.
Other names: c.329G>A, p.Gly110Glu (NM_020956.2); short protein forms G110E.
Identifiers: ClinVar variation 1432129 (VCV001432129.8), dbSNP rs1309370142, ClinGen allele CA405901131.